The following is an entry in ClinVar:

NC_000014.9:g.(?_66776444)_(66776541_?)del

Gene: GPHN (gephyrin; plus strand). Cytogenetic location: 14q23.3.
Variant type: Deletion.
Identifiers: ClinVar variation 831947 (VCV000831947.6).

ClinVar aggregate classification (germline): Pathogenic (1 of 4 stars; one submission).

Conditions:
Sulfite oxidase deficiency due to molybdenum cofactor deficiency type C. Also called: Molybdenum cofactor deficiency, complementation group C; Molybdenum cofactor deficiency C. Identifiers: Orphanet 308400, Orphanet 833, MedGen C1854990, MONDO:0014212, OMIM 615501.

Submission:

Labcorp Genetics (formerly Invitae), Labcorp
Classification: Pathogenic for Sulfite oxidase deficiency due to molybdenum cofactor deficiency type C. Last evaluated: 2023-10-05. Review status: criteria provided, single submitter. Criteria: Invitae Variant Classification Sherloc (09022015). Collection method: clinical testing. Allele origin: germline.
Comment: This variant is a gross deletion of the genomic region encompassing exon(s) 3 of the GPHN gene. This deletion is out-of-frame, and is expected to create a premature termination codon and result in an absent or disrupted protein product. Loss-of-function variants in GPHN are known to be pathogenic (PMID: 11095995, 23184456, 23393157, 24561070, 26613940). This variant has not been reported in the literature in individuals affected with GPHN-related conditions. For these reasons, this variant has been classified as Pathogenic.

Literature cited by the submitters: PubMed 11095995; PubMed 23184456; PubMed 23393157; PubMed 24561070; PubMed 26613940.